The following is an entry in ClinVar:

ClinVar aggregate classification (germline): Conflicting classifications of pathogenicity. Review status: criteria provided, conflicting classifications (1 of 4 stars). 7 submissions from 7 submitters: Uncertain significance (4); Likely benign (3). Last evaluated 2025-10-12.

Conditions:
Inborn genetic diseases. Identifiers: MedGen C0950123, MeSH D030342.
Autosomal dominant limb-girdle muscular dystrophy type 1D (DNAJB6) (LGMDD1). Also called: MUSCULAR DYSTROPHY, LIMB-GIRDLE, TYPE 1D; Autosomal dominant limb-girdle muscular dystrophy type 1D; Muscular dystrophy, limb-girdle, autosomal dominant 1; MUSCULAR DYSTROPHY, AUTOSOMAL DOMINANT, WITH RIMMED VACUOLES. Identifiers: Orphanet 34516, MedGen C4721885, MONDO:0021018, OMIM 603511.

Allele frequency attached by ClinVar (database versions not stated): ExAC 0.00007; gnomAD 0.00008 and 0.00009; gnomAD exomes 0.00008 and 0.00012; TOPMed 0.00010; ESP Exome Variant Server 0.00015; 1000 Genomes Project 30x 0.00016; 1000 Genomes Project 0.00020.
gnomAD v4.1: 189 of 1,613,776 alleles (0.012%); highest among the groups gnomAD compares: Non-Finnish European, 0.015%; no homozygotes.

Submissions (7):

Labcorp Genetics (formerly Invitae), Labcorp
Classification: Uncertain significance for Autosomal dominant limb-girdle muscular dystrophy type 1D (DNAJB6). Last evaluated: 2025-10-12. Review status: criteria provided, single submitter. Criteria: Invitae Variant Classification Sherloc (09022015). Collection method: clinical testing. Allele origin: germline.
Comment: This sequence change replaces asparagine, which is neutral and polar, with threonine, which is neutral and polar, at codon 325 of the DNAJB6 protein (p.Asn325Thr). This variant is present in population databases (rs375911119, gnomAD 0.01%). This variant has not been reported in the literature in individuals affected with DNAJB6-related conditions. ClinVar contains an entry for this variant (Variation ID: 594710). Invitae Evidence Modeling of protein sequence and biophysical properties (such as structural, functional, and spatial information, amino acid conservation, physicochemical variation, residue mobility, and thermodynamic stability) indicates that this missense variant is expected to disrupt DNAJB6 protein function with a positive predictive value of 80%. In summary, the available evidence is currently insufficient to determine the role of this variant in disease. Therefore, it has been classified as a Variant of Uncertain Significance.

Ambry Genetics
Classification: Uncertain significance for Inborn genetic diseases. Last evaluated: 2025-09-25. Review status: criteria provided, single submitter. Criteria: Ambry Variant Classification Scheme 2023. Collection method: clinical testing. Allele origin: germline.

Revvity Omics, Revvity
Classification: Likely benign for Autosomal dominant limb-girdle muscular dystrophy type 1D (DNAJB6). Last evaluated: 2024-12-03. Review status: criteria provided, single submitter. Criteria: ACMG Guidelines, 2015. Collection method: clinical testing. Allele origin: germline.

CeGaT Center for Human Genetics Tuebingen
Classification: Likely benign. Last evaluated: 2024-02-01. Review status: criteria provided, single submitter. Criteria: CeGaT Center For Human Genetics Tuebingen Variant Classification Criteria Version 2. Collection method: clinical testing. Allele origin: germline. Affected: yes. Observed: 1 variant allele.
Comment: DNAJB6: BP4

ARUP Laboratories, Molecular Genetics and Genomics, ARUP Laboratories
Classification: Uncertain significance for Autosomal dominant limb-girdle muscular dystrophy type 1D (DNAJB6). Last evaluated: 2023-10-02. Review status: criteria provided, single submitter. Criteria: ARUP Molecular Germline Variant Investigation Process 2024. Collection method: clinical testing. Allele origin: germline.

GeneDx
Classification: Likely benign. Last evaluated: 2018-05-10. Review status: criteria provided, single submitter. Criteria: GeneDx Variant Classification (06012015). Collection method: clinical testing. Allele origin: germline. Affected: yes.
Comment: This variant is considered likely benign or benign based on one or more of the following criteria: it is a conservative change, it occurs at a poorly conserved position in the protein, it is predicted to be benign by multiple in silico algorithms, and/or has population frequency not consistent with disease.

Eurofins Ntd Llc (ga)
Classification: Uncertain significance. Last evaluated: 2017-11-02. Review status: criteria provided, single submitter. Criteria: EGL Classification Definitions 2015. Collection method: clinical testing. Allele origin: germline. Observed: 1 variant allele, 1 heterozygote.

NM_058246.4(DNAJB6):c.974A>C (p.Asn325Thr)

Gene: DNAJB6 (DnaJ heat shock protein family (Hsp40) member B6; plus strand). Cytogenetic location: 7q36.3.
Variant type: single nucleotide variant.
Coding change: c.974A>C on transcript NM_058246.4 (MANE Select); coding-DNA position 974, A replaced by C.
Protein change: p.Asn325Thr; replaces asparagine 325 with threonine.
Molecular consequence: missense variant.
Genome position (GRCh38, 1-based): chr7:157,416,091, A>C. VCF-style: chr7-157416091-A-C. GRCh37 (hg19) VCF-style: chr7-157208785-A-C.
Other names: c.629A>C, p.Asn210Thr (NM_001363676.1); short protein forms N325T, N210T.
Identifiers: ClinVar variation 594710 (VCV000594710.46), dbSNP rs375911119, ClinGen allele CA4590684.
Genomic context (GRCh38, chr7:157,416,091, plus strand): 5'-GCAAGAGGAAGAAGCAGAAGCAGAGAGAGGAGTCGAAGAAGAAGAAGTCGACCAAAGGCA[A>C]TCACTAGACCGGACTTGAGGCACGCGGTGCACCCCCAGACGCTGGCGCTCCACCGTGCTC-3'
Protein context (NP_490647.1, residues 315-326): ESKKKKSTKG[Asn325Thr]H